The following is an entry in ClinVar:

NM_014681.6(DHX34):c.2482-5C>T

Gene: DHX34 (DExH-box helicase 34; plus strand). Cytogenetic location: 19q13.32.
Variant type: single nucleotide variant.
Coding change: c.2482-5C>T on transcript NM_014681.6 (MANE Select); 5 bases into the intron before coding-DNA position 2482, C replaced by T.
Molecular consequence: intron variant.
Genome position (GRCh38, 1-based): chr19:47,376,438, C>T. VCF-style: chr19-47376438-C-T. GRCh37 (hg19) VCF-style: chr19-47879695-C-T.
Identifiers: ClinVar variation 3050758 (VCV003050758.3), dbSNP rs373422732, ClinGen allele CA9538527.

ClinVar aggregate classification (germline): Likely benign. Review status: criteria provided, single submitter (1 of 4 stars). 2 submissions from 2 submitters: Likely benign (1). 1 of the submissions does not count toward it. Last evaluated 2024-11-18.

Conditions:
DHX34-related disorder. Also called: DHX34-related condition.

Allele frequency attached by ClinVar (database versions not stated): gnomAD exomes 0.00054; TOPMed 0.00066; ESP Exome Variant Server 0.00069; gnomAD 0.00079; 1000 Genomes Project 30x 0.00156; ExAC 0.00158; 1000 Genomes Project 0.00200.
gnomAD v4.1: 918 of 1,610,548 alleles (0.057%); highest among the groups gnomAD compares: South Asian, 0.72%; 11 homozygotes.

Submissions (2):

Blueprint Genetics
Classification: Likely benign. Last evaluated: 2024-11-18. Review status: criteria provided, single submitter. Criteria: ACMG Guidelines, 2015. Collection method: clinical testing. Allele origin: germline.

PreventionGenetics, part of Exact Sciences
Classification: Benign for DHX34-related condition. Last evaluated: 2019-11-25. Review status: no assertion criteria provided. Collection method: clinical testing. Allele origin: germline. Not counted in ClinVar's aggregate classification.
Comment: This variant is classified as benign based on ACMG/AMP sequence variant interpretation guidelines (Richards et al. 2015 PMID: 25741868, with internal and published modifications).